The following is an entry in ClinVar:

NM_005228.5(EGFR):c.1931C>G (p.Pro644Arg)

Gene: EGFR (epidermal growth factor receptor; plus strand). Cytogenetic location: 7p11.2.
Variant type: single nucleotide variant.
Coding change: c.1931C>G on transcript NM_005228.5 (MANE Select); coding-DNA position 1931, C replaced by G.
Protein change: p.Pro644Arg; replaces proline 644 with arginine.
Molecular consequence: missense variant.
Genome position (GRCh38, 1-based): chr7:55,172,994, C>G. VCF-style: chr7-55172994-C-G. GRCh37 (hg19) VCF-style: chr7-55240687-C-G.
Other names: c.1796C>G, p.Pro599Arg (NM_001346897.2, NM_001346899.2); c.1931C>G, p.Pro644Arg (NM_001346898.2); c.1772C>G, p.Pro591Arg (NM_001346900.2); c.1130C>G, p.Pro377Arg (NM_001346941.2); short protein forms P599R, P644R, P591R, P377R.
Identifiers: ClinVar variation 3714093 (VCV003714093.3).

ClinVar aggregate classification (germline): Uncertain significance. Review status: criteria provided, multiple submitters, no conflicts (2 of 4 stars). 2 submissions from 2 submitters: Uncertain significance (2). Last evaluated 2025-06-26.

Conditions:
Hereditary cancer-predisposing syndrome. Also called: Hereditary neoplastic syndrome; Neoplastic Syndromes, Hereditary; Hereditary Cancer Syndrome; Tumor predisposition. Identifiers: Orphanet 140162, MedGen C0027672, MeSH D009386, MONDO:0015356.
EGFR-related lung cancer (EGFR). Identifiers: MedGen CN130014.

gnomAD v4.1: 18 of 1,614,076 alleles (0.0011%); highest among the groups gnomAD compares: Non-Finnish European, 0.0014%; no homozygotes.

Submissions (2):

Ambry Genetics
Classification: Uncertain significance for Hereditary cancer-predisposing syndrome. Last evaluated: 2025-06-26. Review status: criteria provided, single submitter. Criteria: Ambry Variant Classification Scheme 2023. Collection method: clinical testing. Allele origin: germline.
Comment: The p.P644R variant (also known as c.1931C>G), located in coding exon 17 of the EGFR gene, results from a C to G substitution at nucleotide position 1931. The proline at codon 644 is replaced by arginine, an amino acid with dissimilar properties. This amino acid position is conserved. In addition, this alteration is predicted to be deleterious by in silico analysis. Based on the available evidence, the clinical significance of this variant remains unclear.

Labcorp Genetics (formerly Invitae), Labcorp
Classification: Uncertain significance for EGFR-related lung cancer. Last evaluated: 2025-06-04. Review status: criteria provided, single submitter. Criteria: Invitae Variant Classification Sherloc (09022015). Collection method: clinical testing. Allele origin: germline.
Comment: This sequence change replaces proline, which is neutral and non-polar, with arginine, which is basic and polar, at codon 644 of the EGFR protein (p.Pro644Arg). This variant is not present in population databases (gnomAD no frequency). This variant has not been reported in the literature in individuals affected with EGFR-related conditions. ClinVar contains an entry for this variant (Variation ID: 3714093). Invitae Evidence Modeling of protein sequence and biophysical properties (such as structural, functional, and spatial information, amino acid conservation, physicochemical variation, residue mobility, and thermodynamic stability) indicates that this missense variant is not expected to disrupt EGFR protein function with a negative predictive value of 80%. In summary, the available evidence is currently insufficient to determine the role of this variant in disease. Therefore, it has been classified as a Variant of Uncertain Significance.